The following is an entry in ClinVar:

ClinVar aggregate classification (germline): Likely pathogenic (1 of 4 stars; one submission).

Conditions:
Combined oxidative phosphorylation defect type 14. Also called: Combined oxidative phosphorylation deficiency 14. Identifiers: Orphanet 319519, MedGen C4755312, MONDO:0013986, OMIM 614946.

Allele frequency attached by ClinVar (database versions not stated): gnomAD exomes below 0.00001.
gnomAD v4.1: 1 of 1,614,078 alleles (0.000062%); highest among the groups gnomAD compares: Non-Finnish European, 0.000085%; no homozygotes.

Submission:

Labcorp Genetics (formerly Invitae), Labcorp
Classification: Likely pathogenic for Combined oxidative phosphorylation defect type 14. Last evaluated: 2024-10-24. Review status: criteria provided, single submitter. Criteria: Invitae Variant Classification Sherloc (09022015). Collection method: clinical testing. Allele origin: germline.
Comment: This sequence change replaces aspartic acid, which is acidic and polar, with glycine, which is neutral and non-polar, at codon 142 of the FARS2 protein (p.Asp142Gly). This variant is not present in population databases (gnomAD no frequency). This variant has not been reported in the literature in individuals affected with FARS2-related conditions. ClinVar contains an entry for this variant (Variation ID: 1491976). Invitae Evidence Modeling of protein sequence and biophysical properties (such as structural, functional, and spatial information, amino acid conservation, physicochemical variation, residue mobility, and thermodynamic stability) has been performed for this missense variant. However, the output from this modeling did not meet the statistical confidence thresholds required to predict the impact of this variant on FARS2 protein function. This variant disrupts the p.Asp142 amino acid residue in FARS2. Other variant(s) that disrupt this residue have been determined to be pathogenic (PMID: 26553276, 31665838). This suggests that this residue is clinically significant, and that variants that disrupt this residue are likely to be disease-causing. In summary, the currently available evidence indicates that the variant is pathogenic, but additional data are needed to prove that conclusively. Therefore, this variant has been classified as Likely Pathogenic.

Literature cited by the submitters: PubMed 26553276; PubMed 31665838.

NM_006567.5(FARS2):c.425A>G (p.Asp142Gly)

Genes: FARS2 (phenylalanyl-tRNA synthetase 2, mitochondrial; plus strand), LOC126859565 (CDK7 strongly-dependent group 2 enhancer GRCh37_chr6:5368745-5369944; plus strand). Cytogenetic location: 6p25.1.
Variant type: single nucleotide variant.
Coding change: c.425A>G on transcript NM_006567.5 (MANE Select); coding-DNA position 425, A replaced by G.
Protein change: p.Asp142Gly; replaces aspartic acid 142 with glycine.
Molecular consequence: missense variant. On other transcripts: intron variant (2).
Genome position (GRCh38, 1-based): chr6:5,368,995, A>G. VCF-style: chr6-5368995-A-G. GRCh37 (hg19) VCF-style: chr6-5369228-A-G.
Other names: c.425A>G, p.Asp142Gly (NM_001318872.2, NM_001374875.1, NM_001374876.1 and 5 more transcripts); c.-340-27638A>G (NM_001375260.1); c.-84-35547A>G (NM_001375259.1); short protein forms D142G.
Identifiers: ClinVar variation 1491976 (VCV001491976.8), dbSNP rs2127643852, ClinGen allele CA362735254.